The following is an entry in ClinVar:

ClinVar aggregate classification (germline): Pathogenic. Review status: criteria provided, multiple submitters, no conflicts (2 of 4 stars). 2 submissions from 2 submitters: Pathogenic (2). Last evaluated 2022-05-18.

Conditions:
Hereditary breast ovarian cancer syndrome. Also called: Hereditary breast and ovarian cancer; Hereditary breast and ovarian cancer syndrome; Hereditary breast and ovarian cancer syndrome (HBOC); Breast and ovarian cancer; Hereditary breast and/or ovarian cancer syndrome; BRCA1- and BRCA2-Associated Hereditary Breast and Ovarian Cancer. Identifiers: Orphanet 145, MedGen C0677776, MeSH D061325, MONDO:0003582. Disease mechanism: loss of function.

Submissions (2):

Labcorp Genetics (formerly Invitae), Labcorp
Classification: Pathogenic for Hereditary breast ovarian cancer syndrome. Last evaluated: 2022-05-18. Review status: criteria provided, single submitter. Criteria: Invitae Variant Classification Sherloc (09022015). Collection method: clinical testing. Allele origin: germline.
Comment: This variant is not present in population databases (gnomAD no frequency). This sequence change creates a premature translational stop signal (p.Pro1133Thrfs*11) in the BRCA2 gene. It is expected to result in an absent or disrupted protein product. Loss-of-function variants in BRCA2 are known to be pathogenic (PMID: 20104584). This variant has not been reported in the literature in individuals affected with BRCA2-related conditions. For these reasons, this variant has been classified as Pathogenic. ClinVar contains an entry for this variant (Variation ID: 855901).

CeGaT Center for Human Genetics Tuebingen
Classification: Pathogenic. Last evaluated: 2019-08-01. Review status: criteria provided, single submitter. Criteria: CeGaT Center For Human Genetics Tuebingen Variant Classification Criteria Version 2. Collection method: clinical testing. Allele origin: germline. Affected: yes. Observed: 2 variant alleles.

Literature cited by the submitters: PubMed 20104584 (cited by Labcorp Genetics (formerly Invitae), Labcorp).

NM_000059.4(BRCA2):c.3396dup (p.Pro1133fs)

Gene: BRCA2 (BRCA2 DNA repair associated; plus strand). Cytogenetic location: 13q13.1.
Variant type: Duplication.
Coding change: c.3396dup on transcript NM_000059.4 (MANE Select); coding-DNA position 3396, one base duplicated (A; older notation c.3396dupA).
Protein change: p.Pro1133fs; shifts the reading frame from proline 1133.
Molecular consequence: frameshift variant.
Genome position (GRCh38, 1-based): chr13:32,337,751, A duplicated; the last of 4 consecutive A bases (chr13:32,337,748-32,337,751); duplicating any one gives the same sequence. VCF-style (leftmost placement, unchanged base first): chr13-32337747-G-GA. GRCh37 (hg19) VCF-style: chr13-32911884-G-GA.
Other names: short protein forms P1133fs.
Identifiers: ClinVar variation 855901 (VCV000855901.48), dbSNP rs876658427, ClinGen allele CA916080518.